The following is an entry in ClinVar:

NM_001042492.3(NF1):c.2776A>T (p.Ser926Cys)

Gene: NF1 (neurofibromin 1; plus strand). Cytogenetic location: 17q11.2.
Variant type: single nucleotide variant.
Coding change: c.2776A>T on transcript NM_001042492.3 (MANE Select); coding-DNA position 2776, A replaced by T.
Protein change: p.Ser926Cys; replaces serine 926 with cysteine.
Molecular consequence: missense variant.
Genome position (GRCh38, 1-based): chr17:31,229,391, A>T. VCF-style: chr17-31229391-A-T. GRCh37 (hg19) VCF-style: chr17-29556409-A-T.
Other names: c.2776A>T, p.Ser926Cys (NM_000267.4); short protein forms S926C.
Identifiers: ClinVar variation 3237695 (VCV003237695.2), dbSNP rs2151429650.

ClinVar aggregate classification (germline): Uncertain significance (1 of 4 stars; one submission).

Conditions:
Cardiovascular phenotype. Identifiers: MedGen CN230736.
Hereditary cancer-predisposing syndrome. Also called: Neoplastic Syndromes, Hereditary; Tumor predisposition; Hereditary Cancer Syndrome; Hereditary neoplastic syndrome. Identifiers: Orphanet 140162, MedGen C0027672, MeSH D009386, MONDO:0015356.

Submission:

Ambry Genetics
Classification: Uncertain significance for Cardiovascular phenotype; Hereditary cancer-predisposing syndrome. Last evaluated: 2026-09-04. Review status: criteria provided, single submitter. Criteria: Ambry Variant Classification Scheme 2023. Collection method: clinical testing. Allele origin: germline.
Comment: The p.S926C variant (also known as c.2776A>T), located in coding exon 21 of the NF1 gene, results from an A to T substitution at nucleotide position 2776. The serine at codon 926 is replaced by cysteine, an amino acid with dissimilar properties. This amino acid position is highly conserved in available vertebrate species. In addition, this alteration is predicted to be deleterious by in silico analysis. Based on the available evidence, the clinical significance of this variant remains unclear.